The following is an entry in ClinVar:

ClinVar aggregate classification (germline): Likely pathogenic (1 of 4 stars; one submission).

Allele frequency attached by ClinVar (database versions not stated): gnomAD 0.00006; TOPMed 0.00005.
gnomAD v4.1: 57 of 1,613,996 alleles (0.0035%); highest among the groups gnomAD compares: African/African-American, 0.0053%; no homozygotes.

Submission:

Labcorp Genetics (formerly Invitae), Labcorp
Classification: Likely pathogenic. Last evaluated: 2024-11-16. Review status: criteria provided, single submitter. Criteria: Invitae Variant Classification Sherloc (09022015). Collection method: clinical testing. Allele origin: germline.
Comment: This sequence change affects a donor splice site in intron 4 of the C9 gene. It is expected to disrupt RNA splicing. Variants that disrupt the donor or acceptor splice site typically lead to a loss of protein function (PMID: 16199547), and loss-of-function variants in C9 are known to be pathogenic (PMID: 9144525, 9570574). This variant is present in population databases (no rsID available, gnomAD 0.003%). This variant has not been reported in the literature in individuals affected with C9-related conditions. ClinVar contains an entry for this variant (Variation ID: 2155165). Algorithms developed to predict the effect of sequence changes on RNA splicing suggest that this variant may disrupt the consensus splice site. In summary, the currently available evidence indicates that the variant is pathogenic, but additional data are needed to prove that conclusively. Therefore, this variant has been classified as Likely Pathogenic.

Literature cited by the submitters: PubMed 16199547; PubMed 9144525; PubMed 9570574.

NM_001737.5(C9):c.476+1G>C

Gene: C9 (complement C9; minus strand). Cytogenetic location: 5p13.1.
Variant type: single nucleotide variant.
Coding change: c.476+1G>C on transcript NM_001737.5 (MANE Select); the canonical splice donor site of the intron after coding-DNA position 476, G replaced by C.
Molecular consequence: splice donor variant.
Genome position (GRCh38, 1-based): chr5:39,341,145, C>G on the plus strand (G>C on the coding strand, the complement: C9 is on the minus strand). VCF-style: chr5-39341145-C-G. GRCh37 (hg19) VCF-style: chr5-39341247-C-G.
Identifiers: ClinVar variation 2155165 (VCV002155165.4), dbSNP rs1037222479, ClinGen allele CA117187283.